The following is an entry in ClinVar:

ClinVar aggregate classification (germline): Uncertain significance (1 of 4 stars; one submission).

Submission:

Labcorp Genetics (formerly Invitae), Labcorp
Classification: Uncertain significance. Last evaluated: 2019-03-04. Review status: criteria provided, single submitter. Criteria: Invitae Variant Classification Sherloc (09022015). Collection method: clinical testing. Allele origin: germline.
Comment: In summary, the available evidence is currently insufficient to determine the role of this variant in disease. Therefore, it has been classified as a Variant of Uncertain Significance. Algorithms developed to predict the effect of missense changes on protein structure and function output the following: SIFT: "Tolerated"; PolyPhen-2: "Benign"; Align-GVGD: "Class C0". The asparagine amino acid residue is found in multiple mammalian species, suggesting that this missense change does not adversely affect protein function. These predictions have not been confirmed by published functional studies and their clinical significance is uncertain. This variant has not been reported in the literature in individuals with POLE-related conditions. This variant is not present in population databases (ExAC no frequency). This sequence change replaces serine with asparagine at codon 2062 of the POLE protein (p.Ser2062Asn). The serine residue is weakly conserved and there is a small physicochemical difference between serine and asparagine.

NM_006231.4(POLE):c.6185G>A (p.Ser2062Asn)

Gene: POLE (DNA polymerase epsilon, catalytic subunit; minus strand). Cytogenetic location: 12q24.33.
Variant type: single nucleotide variant.
Coding change: c.6185G>A on transcript NM_006231.4 (MANE Select); coding-DNA position 6185, G replaced by A.
Protein change: p.Ser2062Asn; replaces serine 2062 with asparagine.
Molecular consequence: missense variant.
Genome position (GRCh38, 1-based): chr12:132,632,460, C>T on the plus strand (G>A on the coding strand, the complement: POLE is on the minus strand). VCF-style: chr12-132632460-C-T. GRCh37 (hg19) VCF-style: chr12-133209046-C-T.
Other names: short protein forms S2062N.
Identifiers: ClinVar variation 843203 (VCV000843203.9), dbSNP rs2041952520, ClinGen allele CA387369840.